The following is an entry in ClinVar:

NM_005732.4(RAD50):c.1754A>C (p.Lys585Thr)

Gene: RAD50 (RAD50 double strand break repair protein; plus strand). Cytogenetic location: 5q31.1.
Variant type: single nucleotide variant.
Coding change: c.1754A>C on transcript NM_005732.4 (MANE Select); coding-DNA position 1754, A replaced by C.
Protein change: p.Lys585Thr; replaces lysine 585 with threonine.
Molecular consequence: missense variant.
Genome position (GRCh38, 1-based): chr5:132,591,995, A>C. VCF-style: chr5-132591995-A-C. GRCh37 (hg19) VCF-style: chr5-131927687-A-C.
Other names: short protein forms K585T.
Identifiers: ClinVar variation 1779443 (VCV001779443.3), dbSNP rs2479643781, ClinGen allele CA360946653.

ClinVar aggregate classification (germline): Uncertain significance (1 of 4 stars; one submission).

Conditions:
Hereditary cancer-predisposing syndrome. Also called: Neoplastic Syndromes, Hereditary; Tumor predisposition; Hereditary Cancer Syndrome; Hereditary neoplastic syndrome. Identifiers: Orphanet 140162, MedGen C0027672, MeSH D009386, MONDO:0015356.

Submission:

Ambry Genetics
Classification: Uncertain significance for Hereditary cancer-predisposing syndrome. Last evaluated: 2023-06-10. Review status: criteria provided, single submitter. Criteria: Ambry Variant Classification Scheme 2023. Collection method: clinical testing. Allele origin: germline.
Comment: The p.K585T variant (also known as c.1754A>C), located in coding exon 11 of the RAD50 gene, results from an A to C substitution at nucleotide position 1754. The lysine at codon 585 is replaced by threonine, an amino acid with similar properties. This amino acid position is well conserved in available vertebrate species. In addition, this alteration is predicted to be tolerated by in silico analysis. Since supporting evidence is limited at this time, the clinical significance of this alteration remains unclear.